The following is an entry in ClinVar:

NM_021098.3(CACNA1H):c.4488G>A (p.Ser1496=)

Gene: CACNA1H (calcium voltage-gated channel subunit alpha1 H; plus strand). Cytogenetic location: 16p13.3.
Variant type: single nucleotide variant.
Coding change: c.4488G>A on transcript NM_021098.3 (MANE Select); coding-DNA position 4488, G replaced by A.
Protein change: p.Ser1496=; no amino-acid change (serine 1496 retained).
Molecular consequence: synonymous variant.
Genome position (GRCh38, 1-based): chr16:1,211,727, G>A. VCF-style: chr16-1211727-G-A. GRCh37 (hg19) VCF-style: chr16-1261727-G-A.
Other names: c.4488G>A, p.Ser1496= (NM_001005407.2).
Identifiers: ClinVar variation 96012 (VCV000096012.40), dbSNP rs377112179, ClinGen allele CA223620.

ClinVar aggregate classification (germline): Conflicting classifications of pathogenicity. Review status: criteria provided, conflicting classifications (1 of 4 stars). 4 submissions from 4 submitters: Uncertain significance (1); Likely benign (3). Last evaluated 2025-12-22.

Conditions:
Hyperaldosteronism, familial, type IV (HALD4). Also called: FH IV; ALDOSTERONISM, PRIMARY, AND HYPERTENSION. Identifiers: Orphanet 642671, MedGen C4310756, MONDO:0014875, OMIM 617027.
Idiopathic generalized epilepsy. Also called: Generalised epilepsy; EIG. Identifiers: MedGen C0270850, MONDO:0005579, OMIM 600669.
CACNA1H-related disorder.

Allele frequency attached by ClinVar (database versions not stated): ExAC 0.00013; gnomAD exomes 0.00018 and 0.00047; TOPMed 0.00024; gnomAD 0.00027 and 0.00029; ESP Exome Variant Server 0.00032.

Submissions (4):

Labcorp Genetics (formerly Invitae), Labcorp
Classification: Likely benign for Idiopathic generalized epilepsy; Hyperaldosteronism, familial, type IV. Last evaluated: 2025-12-22. Review status: criteria provided, single submitter. Criteria: Invitae Variant Classification Sherloc (09022015). Collection method: clinical testing. Allele origin: germline.

PreventionGenetics, part of Exact Sciences
Classification: Likely benign for CACNA1H-related condition. Last evaluated: 2025-03-08. Review status: criteria provided, single submitter. Criteria: ACMG Guidelines, 2015. Collection method: clinical testing. Allele origin: germline.
Comment: This variant is classified as likely benign based on ACMG/AMP sequence variant interpretation guidelines (Richards et al. 2015 PMID: 25741868, with internal and published modifications).

CeGaT Center for Human Genetics Tuebingen
Classification: Likely benign. Last evaluated: 2022-09-01. Review status: criteria provided, single submitter. Criteria: CeGaT Center For Human Genetics Tuebingen Variant Classification Criteria Version 2. Collection method: clinical testing. Allele origin: germline. Affected: yes. Observed: 2 variant alleles.
Comment: CACNA1H: BP4, BP7

Eurofins Ntd Llc (ga)
Classification: Uncertain significance. Last evaluated: 2013-07-03. Review status: criteria provided, single submitter. Criteria: EGL Classification Definitions 2015. Collection method: clinical testing. Allele origin: germline. Observed: 1 variant allele, 1 heterozygote.